The following is an entry in ClinVar:

ClinVar aggregate classification (germline): Uncertain significance. Review status: criteria provided, multiple submitters, no conflicts (2 of 4 stars). 2 submissions from 2 submitters: Uncertain significance (2). Last evaluated 2024-01-08.

Conditions:
Hereditary cancer-predisposing syndrome. Also called: Neoplastic Syndromes, Hereditary; Tumor predisposition; Hereditary Cancer Syndrome; Hereditary neoplastic syndrome. Identifiers: Orphanet 140162, MedGen C0027672, MeSH D009386, MONDO:0015356.
DICER1-related tumor predisposition. Also called: DICER1 syndrome; DICER1-related pleuropulmonary blastoma cancer predisposition syndrome. Identifiers: Orphanet 284343, MedGen C3839822, MONDO:0100216.

Allele frequency attached by ClinVar (database versions not stated): ExAC 0.00002; gnomAD exomes 0.00002.
gnomAD v4.1: 12 of 1,614,252 alleles (0.00074%); no homozygotes.

Submissions (2):

Labcorp Genetics (formerly Invitae), Labcorp
Classification: Uncertain significance for DICER1-related tumor predisposition. Last evaluated: 2024-01-08. Review status: criteria provided, single submitter. Criteria: Invitae Variant Classification Sherloc (09022015). Collection method: clinical testing. Allele origin: germline.
Comment: This sequence change replaces serine, which is neutral and polar, with proline, which is neutral and non-polar, at codon 1495 of the DICER1 protein (p.Ser1495Pro). This variant is present in population databases (rs767679076, gnomAD 0.04%). This variant has not been reported in the literature in individuals affected with DICER1-related conditions. ClinVar contains an entry for this variant (Variation ID: 1740923). Algorithms developed to predict the effect of missense changes on protein structure and function output the following: SIFT: "Not Available"; PolyPhen-2: "Benign"; Align-GVGD: "Not Available". The proline amino acid residue is found in multiple mammalian species, which suggests that this missense change does not adversely affect protein function. In summary, the available evidence is currently insufficient to determine the role of this variant in disease. Therefore, it has been classified as a Variant of Uncertain Significance.

Ambry Genetics
Classification: Uncertain significance for Hereditary cancer-predisposing syndrome. Last evaluated: 2020-03-05. Review status: criteria provided, single submitter. Criteria: Ambry Variant Classification Scheme 2023. Collection method: clinical testing. Allele origin: germline.
Comment: The p.S1495P variant (also known as c.4483T>C), located in coding exon 22 of the DICER1 gene, results from a T to C substitution at nucleotide position 4483. The serine at codon 1495 is replaced by proline, an amino acid with similar properties. This amino acid position is not well conserved in available vertebrate species. In addition, this alteration is predicted to be tolerated by in silico analysis. Since supporting evidence is limited at this time, the clinical significance of this alteration remains unclear.

NM_177438.3(DICER1):c.4483T>C (p.Ser1495Pro)

Gene: DICER1 (dicer 1, ribonuclease III; minus strand). Cytogenetic location: 14q32.13.
Variant type: single nucleotide variant.
Coding change: c.4483T>C on transcript NM_177438.3 (MANE Select); coding-DNA position 4483, T replaced by C.
Protein change: p.Ser1495Pro; replaces serine 1495 with proline.
Molecular consequence: missense variant. On other transcripts: non-coding transcript variant (6).
Genome position (GRCh38, 1-based): chr14:95,096,437, A>G on the plus strand (T>C on the coding strand, the complement: DICER1 is on the minus strand). VCF-style: chr14-95096437-A-G. GRCh37 (hg19) VCF-style: chr14-95562774-A-G.
Other names: c.4483T>C, p.Ser1495Pro (NM_001195573.1, NM_001271282.3, NM_001291628.2 and 13 more transcripts); c.4201T>C, p.Ser1401Pro (NM_001395686.1); c.4078T>C, p.Ser1360Pro (NM_001395687.1, NM_001395688.1, NM_001395689.1 and 2 more transcripts); c.3916T>C, p.Ser1306Pro (NM_001395691.1); c.2800T>C, p.Ser934Pro (NM_001395697.1); short protein forms S1401P, S1360P, S1495P, S1306P, S934P.
Identifiers: ClinVar variation 1740923 (VCV001740923.5), dbSNP rs767679076, ClinGen allele CA7330839.
Genomic context (GRCh38, chr14:95,096,437, plus strand): 5'-TAGGATCCAGATAGCACATTGCATCCCAAGAGCTGTAGTCAAAATCCTCAAAATCTGATG[A>G]AAATGGCATACTACCTAAGGAGGATTTTTTGGGCATTTTCCATTCATATGCAGAATCAGT-3'
Protein context (NP_803187.1, residues 1485-1505): KKSSLGSMPF[Ser1495Pro]SDFEDFDYSS